The following is an entry in ClinVar:

ClinVar aggregate classification (germline): Uncertain significance. Review status: criteria provided, single submitter (1 of 4 stars). 2 submissions from 2 submitters: Uncertain significance (1). 1 of the submissions does not count toward it. Last evaluated 2021-08-24.

Conditions:
Propionic acidemia (PROP). Also called: GLYCINEMIA, KETOTIC; HYPERGLYCINEMIA WITH KETOACIDOSIS AND LEUKOPENIA; KETOTIC HYPERGLYCINEMIA. Identifiers: Orphanet 35, MedGen C0268579, MONDO:0011628, OMIM 606054, HP:0003571.

Allele frequency attached by ClinVar (database versions not stated): TOPMed below 0.00001.
gnomAD v4.1: 1 of 1,614,118 alleles (0.000062%); highest among the groups gnomAD compares: Non-Finnish European, 0.000085%; no homozygotes.

Submissions (2):

Labcorp Genetics (formerly Invitae), Labcorp
Classification: Uncertain significance for Propionic acidemia. Last evaluated: 2021-08-24. Review status: criteria provided, single submitter. Criteria: Invitae Variant Classification Sherloc (09022015). Collection method: clinical testing. Allele origin: germline.
Comment: This sequence change replaces arginine with serine at codon 289 of the PCCB protein (p.Arg289Ser). The arginine residue is highly conserved and there is a moderate physicochemical difference between arginine and serine. This variant is not present in population databases (ExAC no frequency). This variant has not been reported in the literature in individuals affected with PCCB-related conditions. Advanced modeling of protein sequence and biophysical properties (such as structural, functional, and spatial information, amino acid conservation, physicochemical variation, residue mobility, and thermodynamic stability) performed at Invitae indicates that this missense variant is not expected to disrupt PCCB protein function. Algorithms developed to predict the effect of sequence changes on RNA splicing suggest that this variant may create or strengthen a splice site. In summary, the available evidence is currently insufficient to determine the role of this variant in disease. Therefore, it has been classified as a Variant of Uncertain Significance.

Natera, Inc.
Classification: Uncertain significance for Propionic acidemia. Last evaluated: 2025-03-20. Review status: no assertion criteria provided. Collection method: clinical testing. Allele origin: germline. Not counted in ClinVar's aggregate classification.

NM_000532.5(PCCB):c.865C>A (p.Arg289Ser)

Gene: PCCB (propionyl-CoA carboxylase subunit beta; plus strand). Cytogenetic location: 3q22.3.
Variant type: single nucleotide variant.
Coding change: c.865C>A on transcript NM_000532.5 (MANE Select); coding-DNA position 865, C replaced by A.
Protein change: p.Arg289Ser; replaces arginine 289 with serine.
Molecular consequence: missense variant.
Genome position (GRCh38, 1-based): chr3:136,298,053, C>A. VCF-style: chr3-136298053-C-A. GRCh37 (hg19) VCF-style: chr3-136016895-C-A.
Other names: c.865C>A (NM_000532.4); c.925C>A, p.Arg309Ser (NM_001178014.2); short protein forms R309S, R289S.
Identifiers: ClinVar variation 1405390 (VCV001405390.6), dbSNP rs771935604, ClinGen allele CA354644916.